The following is an entry in ClinVar:

ClinVar aggregate classification (germline): Likely benign. Review status: criteria provided, single submitter (1 of 4 stars). 2 submissions from 2 submitters: Likely benign (1). 1 of the submissions does not count toward it. Last evaluated 2025-11-26.

Conditions:
CLCN7-related disorder. Also called: CLCN7-related condition.

Allele frequency attached by ClinVar (database versions not stated): gnomAD exomes 0.00004; TOPMed 0.00001; gnomAD 0.00002.
gnomAD v4.1: 62 of 1,555,488 alleles (0.004%); highest among the groups gnomAD compares: Non-Finnish European, 0.0048%; no homozygotes.

Submissions (2):

Labcorp Genetics (formerly Invitae), Labcorp
Classification: Likely benign. Last evaluated: 2025-11-26. Review status: criteria provided, single submitter. Criteria: Invitae Variant Classification Sherloc (09022015). Collection method: clinical testing. Allele origin: germline.

PreventionGenetics, part of Exact Sciences
Classification: Likely benign for CLCN7-related condition. Last evaluated: 2022-03-22. Review status: no assertion criteria provided. Collection method: clinical testing. Allele origin: germline. Not counted in ClinVar's aggregate classification.
Comment: This variant is classified as likely benign based on ACMG/AMP sequence variant interpretation guidelines (Richards et al. 2015 PMID: 25741868, with internal and published modifications).

NM_001287.6(CLCN7):c.2127G>A (p.Lys709=)

Gene: CLCN7 (Cl-/H+ antiporter 7; minus strand). Cytogenetic location: 16p13.3.
Variant type: single nucleotide variant.
Coding change: c.2127G>A on transcript NM_001287.6 (MANE Select); coding-DNA position 2127, G replaced by A.
Protein change: p.Lys709=; no amino-acid change (lysine 709 retained).
Molecular consequence: synonymous variant.
Genome position (GRCh38, 1-based): chr16:1,447,515, C>T on the plus strand (G>A on the coding strand, the complement: CLCN7 is on the minus strand). VCF-style: chr16-1447515-C-T. GRCh37 (hg19) VCF-style: chr16-1497516-C-T.
Other names: c.2055G>A, p.Lys685= (NM_001114331.3); c.2127G>A (NM_001287.5).
Identifiers: ClinVar variation 2719402 (VCV002719402.5), dbSNP rs1418773664, ClinGen allele CA492916645.
Genomic context (GRCh38, chr16:1,447,515, plus strand): 5'-GTCCTGGGACACGTGGATGGACTGGATGGGTGGGAAGCGCGGGTAGGCGTCTCGGAAGTC[C>T]TTCAGCCTCAGGCGCCGCTGTACCAGGCCCAGGTTGGACCGCTCCACAAACACCTGCGGG-3'
Protein context (NP_001278.1, residues 699-719): LGLVQRRLRL[Lys709=]DFRDAYPRFP